The following is an entry in ClinVar:

NM_001110556.2(FLNA):c.4143-20C>T

Gene: FLNA (filamin A; minus strand). Cytogenetic location: Xq28.
Variant type: single nucleotide variant.
Coding change: c.4143-20C>T on transcript NM_001110556.2 (MANE Select); 20 bases into the intron before coding-DNA position 4143, C replaced by T.
Molecular consequence: intron variant.
Genome position (GRCh38, 1-based): chrX:154,359,426, G>A on the plus strand (C>T on the coding strand, the complement: FLNA is on the minus strand). VCF-style: chrX-154359426-G-A. GRCh37 (hg19) VCF-style: chrX-153587794-G-A.
Other names: c.4143-20C>T (NM_001456.4).
Identifiers: ClinVar variation 391049 (VCV000391049.12), dbSNP rs782633956, ClinGen allele CA10560586.

ClinVar aggregate classification (germline): Likely benign. Review status: criteria provided, multiple submitters, no conflicts (2 of 4 stars). 4 submissions from 4 submitters: Likely benign (4). Last evaluated 2026-01-21.

Conditions:
Heterotopia, periventricular, X-linked dominant (PVNH1). Also called: PERIVENTRICULAR NODULAR HETEROTOPIA 4; HETEROTOPIA, PERIVENTRICULAR, 1; PERIVENTRICULAR NODULAR HETEROTOPIA 1; X-linked periventricular heterotopia. Identifiers: Orphanet 2149, Orphanet 82004, MedGen C1848213, MONDO:0010233, OMIM 300049.
Frontometaphyseal dysplasia (FMD1). Identifiers: Orphanet 1826, MedGen C0265293, MONDO:0015942.
Oto-palato-digital syndrome, type II (OPD2). Also called: Otopalatodigital Syndrome, Type II; Otopalatodigital Syndrome Type 2 (FLNA-OPD2); OPD II SYNDROME; FACIOPALATOOSSEOUS SYNDROME. Identifiers: Orphanet 669, Orphanet 90652, MedGen C1844696, MONDO:0010571, OMIM 304120.
Melnick-Needles syndrome (MNS). Also called: Melnick-Needles Syndrome (FLNA-MNS); MELNICK-NEEDLES OSTEODYSPLASTY; OSTEODYSPLASTY OF MELNICK AND NEEDLES. Identifiers: Orphanet 2484, MedGen C0025237, MONDO:0010650, OMIM 309350.

Allele frequency attached by ClinVar (database versions not stated): ExAC 0.00001; TOPMed 0.00006; gnomAD 0.00008 and 0.00009; 1000 Genomes Project 30x 0.00021.
gnomAD v4.1: 102 of 1,210,577 alleles (0.0084%); highest among the groups gnomAD compares: Non-Finnish European, 0.01%; no homozygotes.

Submissions (4):

Labcorp Genetics (formerly Invitae), Labcorp
Classification: Likely benign for Oto-palato-digital syndrome, type II; Heterotopia, periventricular, X-linked dominant; Frontometaphyseal dysplasia; Melnick-Needles syndrome. Last evaluated: 2026-01-21. Review status: criteria provided, single submitter. Criteria: Invitae Variant Classification Sherloc (09022015). Collection method: clinical testing. Allele origin: germline.

Blueprint Genetics
Classification: Likely benign. Last evaluated: 2024-11-28. Review status: criteria provided, single submitter. Criteria: ACMG Guidelines, 2015. Collection method: clinical testing. Allele origin: germline.

Women's Health and Genetics/Laboratory Corporation of America, LabCorp
Classification: Likely benign. Last evaluated: 2023-10-09. Review status: criteria provided, single submitter. Criteria: LabCorp Variant Classification Summary - May 2015. Collection method: clinical testing. Allele origin: germline.

GeneDx
Classification: Likely benign. Last evaluated: 2016-11-22. Review status: criteria provided, single submitter. Criteria: GeneDx Variant Classification (06012015). Collection method: clinical testing. Allele origin: germline. Affected: yes.
Comment: This variant is considered likely benign or benign based on one or more of the following criteria: it is a conservative change, it occurs at a poorly conserved position in the protein, it is predicted to be benign by multiple in silico algorithms, and/or has population frequency not consistent with disease.